The following is an entry in ClinVar:

NM_001352754.2(ARMC9):c.1582A>G (p.Ser528Gly)

Gene: ARMC9 (armadillo repeat containing 9; plus strand). Cytogenetic location: 2q37.1.
Variant type: single nucleotide variant.
Coding change: c.1582A>G on transcript NM_001352754.2 (MANE Select); coding-DNA position 1582, A replaced by G.
Protein change: p.Ser528Gly; replaces serine 528 with glycine.
Molecular consequence: missense variant. On other transcripts: non-coding transcript variant (1).
Genome position (GRCh38, 1-based): chr2:231,282,089, A>G. VCF-style: chr2-231282089-A-G. GRCh37 (hg19) VCF-style: chr2-232146802-A-G.
Other names: c.1582A>G, p.Ser528Gly (NM_001271466.4, NM_001291656.2, NM_001352755.2 and 3 more transcripts); c.1483A>G, p.Ser495Gly (NM_001352757.2, NM_001352758.2); c.1582A>G (NM_025139.3); short protein forms S528G, S495G.
Identifiers: ClinVar variation 964181 (VCV000964181.9), dbSNP rs202200847, ClinGen allele CA2160397.

ClinVar aggregate classification (germline): Uncertain significance. Review status: criteria provided, multiple submitters, no conflicts (2 of 4 stars). 2 submissions from 2 submitters: Uncertain significance (2). Last evaluated 2025-08-20.

Conditions:
Inborn genetic diseases. Identifiers: MedGen C0950123, MeSH D030342.

Allele frequency attached by ClinVar (database versions not stated): gnomAD exomes 0.00001 and 0.00003; ExAC 0.00003; gnomAD 0.00011; TOPMed 0.00015; 1000 Genomes Project 30x 0.00016; 1000 Genomes Project 0.00020.
gnomAD v4.1: 29 of 1,614,180 alleles (0.0018%); highest among the groups gnomAD compares: African/African-American, 0.037%; no homozygotes.

Submissions (2):

Ambry Genetics
Classification: Uncertain significance for Inborn genetic diseases. Last evaluated: 2025-08-20. Review status: criteria provided, single submitter. Criteria: Ambry Variant Classification Scheme 2023. Collection method: clinical testing. Allele origin: germline.

Labcorp Genetics (formerly Invitae), Labcorp
Classification: Uncertain significance. Last evaluated: 2023-11-27. Review status: criteria provided, single submitter. Criteria: Invitae Variant Classification Sherloc (09022015). Collection method: clinical testing. Allele origin: germline.
Comment: This sequence change replaces serine, which is neutral and polar, with glycine, which is neutral and non-polar, at codon 528 of the ARMC9 protein (p.Ser528Gly). This variant is present in population databases (rs202200847, gnomAD 0.04%). This variant has not been reported in the literature in individuals affected with ARMC9-related conditions. ClinVar contains an entry for this variant (Variation ID: 964181). Experimental studies and prediction algorithms are not available or were not evaluated, and the functional significance of this variant is currently unknown. In summary, the available evidence is currently insufficient to determine the role of this variant in disease. Therefore, it has been classified as a Variant of Uncertain Significance.